The following is an entry in ClinVar:

ClinVar aggregate classification (germline): Likely benign. Review status: criteria provided, multiple submitters, no conflicts (2 of 4 stars). 2 submissions from 2 submitters: Likely benign (2). Last evaluated 2025-09-27.

Conditions:
Pitt-Hopkins syndrome (PTHS). Also called: ENCEPHALOPATHY, SEVERE EPILEPTIC, WITH AUTONOMIC DYSFUNCTION; MENTAL RETARDATION, SYNDROMAL, WITH INTERMITTENT HYPERVENTILATION. Identifiers: Orphanet 2896, MedGen C1970431, MONDO:0012589, OMIM 610954.

Allele frequency attached by ClinVar (database versions not stated): gnomAD exomes below 0.00001; TOPMed 0.00001.
gnomAD v4.1: 2 of 1,614,102 alleles (0.00012%); highest among the groups gnomAD compares: Admixed American, 0.0017%; no homozygotes.

Submissions (2):

Labcorp Genetics (formerly Invitae), Labcorp
Classification: Likely benign for Pitt-Hopkins syndrome. Last evaluated: 2025-09-27. Review status: criteria provided, single submitter. Criteria: Invitae Variant Classification Sherloc (09022015). Collection method: clinical testing. Allele origin: germline.

Women's Health and Genetics/Laboratory Corporation of America, LabCorp
Classification: Likely benign. Last evaluated: 2025-07-02. Review status: criteria provided, single submitter. Criteria: LabCorp Variant Classification Summary - May 2015. Collection method: clinical testing. Allele origin: germline.
Comment: Variant summary: TCF4 c.1617G>A alters a conserved nucleotide resulting in a synonymous change. Consensus agreement among computation tools predict no significant impact on normal splicing. However, these predictions have yet to be confirmed by functional studies. The variant allele was found at a frequency of 4e-06 in 251410 control chromosomes. The available data on variant occurrences in the general population are insufficient to allow any conclusion about variant significance. To our knowledge, no occurrence of c.1617G>A in individuals affected with Pitt-Hopkins Syndrome and no experimental evidence demonstrating its impact on protein function have been reported. ClinVar contains an entry for this variant (Variation ID: 1133449). Based on the evidence outlined above, the variant was classified as likely benign.

NM_001083962.2(TCF4):c.1617G>A (p.Lys539=)

Gene: TCF4 (transcription factor 4; minus strand). Cytogenetic location: 18q21.2.
Variant type: single nucleotide variant.
Coding change: c.1617G>A on transcript NM_001083962.2 (MANE Select); coding-DNA position 1617, G replaced by A.
Protein change: p.Lys539=; no amino-acid change (lysine 539 retained).
Molecular consequence: synonymous variant.
Genome position (GRCh38, 1-based): chr18:55,232,541, C>T on the plus strand (G>A on the coding strand, the complement: TCF4 is on the minus strand). VCF-style: chr18-55232541-C-T. GRCh37 (hg19) VCF-style: chr18-52899772-C-T.
Other names: c.1923G>A, p.Lys641= (NM_001243226.3); c.1545G>A, p.Lys515= (NM_001243227.2, NM_001306207.1, NM_001348217.1 and 5 more transcripts); c.1635G>A, p.Lys545= (NM_001243228.2); c.1608G>A, p.Lys536= (NM_001243230.2); c.1491G>A, p.Lys497= (NM_001243231.2, NM_001348211.2); c.1404G>A, p.Lys468= (NM_001243232.1, NM_001306208.1); c.1227G>A, p.Lys409= (NM_001243233.2, NM_001330605.3, NM_001348212.2 and 1 more transcripts); c.1137G>A, p.Lys379= (NM_001243234.2, NM_001243235.2, NM_001243236.2 and 1 more transcripts); and 6 more.
Identifiers: ClinVar variation 1133449 (VCV001133449.11), dbSNP rs1488846085, ClinGen allele CA504004359.
Genomic context (GRCh38, chr18:55,232,541, plus strand): 5'-ATGAAGCGACAGTATTATATACTGTTACCTAGATCTTGACCTAGTAATTGATTTGATATC[C>T]TTCTTGTCGTCATCTAATTTCTTGTCCTCCGAAGATTTCGTGTCTTGCAGGTTCTCATCA-3'
Protein context (NP_001077431.1, residues 529-549): SEDKKLDDDK[Lys539=]DIKSITRSRS